The following is an entry in ClinVar:

ClinVar aggregate classification (germline): Uncertain significance. Review status: criteria provided, single submitter (1 of 4 stars). 2 submissions from 2 submitters: Uncertain significance (1). 1 of the submissions does not count toward it. Last evaluated 2020-08-28.

Conditions:
Muscular dystrophy, congenital, with rapid progression (MDRP). Identifiers: MedGen C1850840, MONDO:0009682, OMIM 254100.

Allele frequency attached by ClinVar (database versions not stated): gnomAD 0.00001 and 0.00003; gnomAD exomes 0.00001 and 0.00002; TOPMed 0.00002; ESP Exome Variant Server 0.00008.
gnomAD v4.1: 14 of 1,573,952 alleles (0.00089%); highest among the groups gnomAD compares: Non-Finnish European, 0.0012%; no homozygotes.

Submissions (2):

GeneDx
Classification: Uncertain significance. Last evaluated: 2020-08-28. Review status: criteria provided, single submitter. Criteria: GeneDx Variant Classification (06012015). Collection method: clinical testing. Allele origin: germline. Affected: yes.
Comment: Observed in homozygous state in two siblings with elevated creatine kinase, breathing and feeding issues, and hypotonia referred for genetic testing at GeneDx and not observed in homozygous state in controls. Observed in 0.0019% (5/259550 alleles) in large population cohorts and no individuals were reported to be homozygous (Lek et al., 2016). In silico analysis, which includes protein predictors and evolutionary conservation, supports a deleterious effect. We interpret I51S as a variant of uncertain significance.

OMIM
Classification: Pathogenic for MUSCULAR DYSTROPHY, CONGENITAL, WITH RAPID PROGRESSION. Last evaluated: 2024-02-06. Review status: no assertion criteria provided. Collection method: literature only. Allele origin: germline. Not counted in ClinVar's aggregate classification.

Literature cited by the submitters: PubMed 34779586 (cited by OMIM).

NM_005868.6(BET1):c.152T>G (p.Ile51Ser)

Gene: BET1 (Bet1 golgi vesicular membrane trafficking protein; minus strand). Cytogenetic location: 7q21.3.
Variant type: single nucleotide variant.
Coding change: c.152T>G on transcript NM_005868.6 (MANE Select); coding-DNA position 152, T replaced by G.
Protein change: p.Ile51Ser; replaces isoleucine 51 with serine.
Molecular consequence: missense variant. On other transcripts: non-coding transcript variant (2).
Genome position (GRCh38, 1-based): chr7:93,996,314, A>C on the plus strand (T>G on the coding strand, the complement: BET1 is on the minus strand). VCF-style: chr7-93996314-A-C. GRCh37 (hg19) VCF-style: chr7-93625626-A-C.
Other names: c.152T>G, p.Ile51Ser (NM_001317739.2); short protein forms I51S.
Identifiers: ClinVar variation 977650 (VCV000977650.3), dbSNP rs372513869, ClinGen allele CA162380442.
Genomic context (GRCh38, chr7:93,996,314, plus strand): 5'-TAACCACTTACCATTTCAGCTAATAATTTATTCTGGGTTTTAACTTCATGGCCTATTTCA[A>C]TGGAAAGCTATAAAGAAGAAGGTATACACAGGATTACTCACATAAAAGTATTCAAGTGTT-3'
Protein context (NP_005859.1, residues 41-61): SKVTAIKSLS[Ile51Ser]EIGHEVKTQN